The following is an entry in ClinVar:

NM_206933.4(USH2A):c.7502A>G (p.Gln2501Arg)

Gene: USH2A (usherin; minus strand). Cytogenetic location: 1q41.
Variant type: single nucleotide variant.
Coding change: c.7502A>G on transcript NM_206933.4 (MANE Select); coding-DNA position 7502, A replaced by G.
Protein change: p.Gln2501Arg; replaces glutamine 2501 with arginine.
Molecular consequence: missense variant.
Genome position (GRCh38, 1-based): chr1:215,900,167, T>C on the plus strand (A>G on the coding strand, the complement: USH2A is on the minus strand). VCF-style: chr1-215900167-T-C. GRCh37 (hg19) VCF-style: chr1-216073509-T-C.
Other names: short protein forms Q2501R.
Identifiers: ClinVar variation 2418641 (VCV002418641.6), dbSNP rs2464782547, ClinGen allele CA344848457.

ClinVar aggregate classification (germline): Uncertain significance (1 of 4 stars; one submission).

Submission:

Labcorp Genetics (formerly Invitae), Labcorp
Classification: Uncertain significance. Last evaluated: 2022-02-18. Review status: criteria provided, single submitter. Criteria: Invitae Variant Classification Sherloc (09022015). Collection method: clinical testing. Allele origin: germline.
Comment: This sequence change replaces glutamine, which is neutral and polar, with arginine, which is basic and polar, at codon 2501 of the USH2A protein (p.Gln2501Arg). This variant is not present in population databases (gnomAD no frequency). This variant has not been reported in the literature in individuals affected with USH2A-related conditions. Algorithms developed to predict the effect of missense changes on protein structure and function (SIFT, PolyPhen-2, Align-GVGD) all suggest that this variant is likely to be disruptive. In summary, the available evidence is currently insufficient to determine the role of this variant in disease. Therefore, it has been classified as a Variant of Uncertain Significance.